The following is an entry in ClinVar:

NM_006767.4(LZTR1):c.670A>G (p.Ile224Val)

Gene: LZTR1 (leucine zipper like post translational regulator 1; plus strand). Cytogenetic location: 22q11.21.
Variant type: single nucleotide variant.
Coding change: c.670A>G on transcript NM_006767.4 (MANE Select); coding-DNA position 670, A replaced by G.
Protein change: p.Ile224Val; replaces isoleucine 224 with valine.
Molecular consequence: missense variant.
Genome position (GRCh38, 1-based): chr22:20,990,404, A>G. VCF-style: chr22-20990404-A-G. GRCh37 (hg19) VCF-style: chr22-21344693-A-G.
Other names: short protein forms I224V.
Identifiers: ClinVar variation 3541652 (VCV003541652.1).

ClinVar aggregate classification (germline): Uncertain significance (1 of 4 stars; one submission).

Conditions:
Hereditary cancer-predisposing syndrome. Also called: Hereditary Cancer Syndrome; Hereditary neoplastic syndrome; Tumor predisposition; Neoplastic Syndromes, Hereditary. Identifiers: Orphanet 140162, MedGen C0027672, MeSH D009386, MONDO:0015356.
Cardiovascular phenotype. Identifiers: MedGen CN230736.

Submission:

Ambry Genetics
Classification: Uncertain significance for Cardiovascular phenotype; Hereditary cancer-predisposing syndrome. Last evaluated: 2024-10-14. Review status: criteria provided, single submitter. Criteria: Ambry Variant Classification Scheme 2023. Collection method: clinical testing. Allele origin: germline.
Comment: The p.I224V variant (also known as c.670A>G), located in coding exon 8 of the LZTR1 gene, results from an A to G substitution at nucleotide position 670. The isoleucine at codon 224 is replaced by valine, an amino acid with highly similar properties. This amino acid position is conserved. In addition, this alteration is predicted to be tolerated by in silico analysis. Based on the available evidence, the clinical significance of this variant remains unclear.